The following is an entry in ClinVar:

NM_004260.4(RECQL4):c.3394-4A>G

Gene: RECQL4 (RecQ like helicase 4; minus strand). Cytogenetic location: 8q24.3.
Variant type: single nucleotide variant.
Coding change: c.3394-4A>G on transcript NM_004260.4 (MANE Select); 4 bases into the intron before coding-DNA position 3394, A replaced by G.
Molecular consequence: intron variant.
Genome position (GRCh38, 1-based): chr8:144,511,793, T>C on the plus strand (A>G on the coding strand, the complement: RECQL4 is on the minus strand). VCF-style: chr8-144511793-T-C. GRCh37 (hg19) VCF-style: chr8-145737176-T-C.
Other names: c.3394-4A>G (NM_004260.3).
Identifiers: ClinVar variation 1571187 (VCV001571187.9), dbSNP rs777542762, ClinGen allele CA4947755.

ClinVar aggregate classification (germline): Conflicting classifications of pathogenicity. Review status: criteria provided, conflicting classifications (1 of 4 stars). 2 submissions from 2 submitters: Uncertain significance (1); Likely benign (1). Last evaluated 2024-06-03.

Conditions:
Rothmund-Thomson syndrome type 2 (RTS2). Identifiers: Orphanet 221016, MedGen C5203410, MONDO:0016369, OMIM 268400.
Baller-Gerold syndrome (BGS). Also called: CRANIOSYNOSTOSIS WITH RADIAL DEFECTS. Identifiers: Orphanet 1225, MedGen C0265308, MONDO:0009039, OMIM 218600.

Allele frequency attached by ClinVar (database versions not stated): gnomAD exomes below 0.00001; ExAC 0.00001.
gnomAD v4.1: 1 of 1,612,408 alleles (0.000062%); no homozygotes.

Submissions (2):

St. Jude Molecular Pathology, St. Jude Children's Research Hospital
Classification: Uncertain significance for Rothmund-Thomson syndrome type 2. Last evaluated: 2024-06-03. Review status: criteria provided, single submitter. Criteria: St. Jude Assertion Criteria 2020. Collection method: clinical testing. Allele origin: germline.
Comment: The RECQL4 c.3394-4A>G intronic change results in an A to G substitution at the -4 position of intron 19 of the RECQL4 gene. Algorithms that predict the impact of sequence changes on splicing are not conclusive as to whether or not this variant affects splicing and loss of function of the resulting protein product. This variant has a maximum subpopulation frequency of 0.0009% in gnomAD v2.1.1. To our knowledge, this variant has not been reported in individuals with RECQL4-associated conditions. In summary, the evidence currently available is insufficient to determine the clinical significance of this variant. It has therefore been classified as of uncertain significance.

Labcorp Genetics (formerly Invitae), Labcorp
Classification: Likely benign for Baller-Gerold syndrome. Last evaluated: 2021-07-27. Review status: criteria provided, single submitter. Criteria: Invitae Variant Classification Sherloc (09022015). Collection method: clinical testing. Allele origin: germline.